The following is an entry in ClinVar:

NM_002495.4(NDUFS4):c.350+5G>A

Gene: NDUFS4 (NADH:ubiquinone oxidoreductase subunit S4; plus strand). Cytogenetic location: 5q11.2.
Variant type: single nucleotide variant.
Coding change: c.350+5G>A on transcript NM_002495.4 (MANE Select); 5 bases into the intron after coding-DNA position 350, G replaced by A.
Molecular consequence: intron variant.
Genome position (GRCh38, 1-based): chr5:53,646,410, G>A. VCF-style: chr5-53646410-G-A. GRCh37 (hg19) VCF-style: chr5-52942240-G-A.
Other names: IVS3DS, G-A, +5; c.350+5G>A (NM_001318051.2).
Identifiers: ClinVar variation 930177 (VCV000930177.6), dbSNP rs1751865973, ClinGen allele CA1139658830.

ClinVar aggregate classification (germline): Pathogenic (0 of 4 stars; one submission).

Conditions:
Mitochondrial complex I deficiency, nuclear type 1. Also called: NADH-COENZYME Q REDUCTASE DEFICIENCY; MITOCHONDRIAL NADH DEHYDROGENASE COMPONENT OF COMPLEX I, DEFICIENCY OF. Identifiers: MedGen C6022305, MONDO:0100224, OMIM 252010.

Allele frequency attached by ClinVar (database versions not stated): gnomAD exomes below 0.00001.
gnomAD v4.1: 1 of 1,612,950 alleles (0.000062%); highest among the groups gnomAD compares: South Asian, 0.0011%; no homozygotes.

Submissions (2):

OMIM
Classification: Pathogenic for MITOCHONDRIAL COMPLEX I DEFICIENCY, NUCLEAR TYPE 1. Last evaluated: 2021-02-15. Review status: no assertion criteria provided. Collection method: literature only. Allele origin: germline.

Mitochondrial Disorders Lab i+12, Hospital Universitario 12 de Octubre
No classification provided (evidence only). Condition: Mitochondrial complex I deficiency, nuclear type 1; Infantile encephalopathy; Developmental regression; Lactic acidosis. Last evaluated: 2020-06-09. Review status: no classification provided. Criteria: ACMG Guidelines, 2015. Collection method: research. Allele origin: not applicable. Inheritance: Autosomal recessive inheritance. Functional consequence: effect on RNA splicing. Not counted in ClinVar's aggregate classification.
Comment: This is a novel recessive variant in the NDUFS4 gene due to a complete paternal isodisomy of chromosome 5. Prediction algorithms for mRNA splicing including MutationTaster, Human Splicing Finder, dbNSFP and dPSI indicated that the c.350+5G>A variant was likely pathogenic by affecting the 5' splicing donor site in NDUFS4 intron 3. Absence in population databases, and functional evidences in patient's muscle biopsy and derived cultured cells suggest the variant is pathogenic.

"Pathogenic" was previously submitted as the classification for the variant. However, the classification appeared to be based only on an observation of functional data so it was converted to no classification on 2025-07-30.

Literature cited by the submitters: PubMed 33093004 (cited by OMIM).